The following is an entry in ClinVar:

NM_001127208.3(TET2):c.2129C>T (p.Thr710Ile)

Genes: TET2 (tet methylcytosine dioxygenase 2; plus strand), TET2-AS1 (TET2 antisense RNA 1; minus strand). Cytogenetic location: 4q24.
Variant type: single nucleotide variant.
Coding change: c.2129C>T on transcript NM_001127208.3 (MANE Select); coding-DNA position 2129, C replaced by T.
Protein change: p.Thr710Ile; replaces threonine 710 with isoleucine.
Molecular consequence: missense variant.
Genome position (GRCh38, 1-based): chr4:105,236,071, C>T. VCF-style: chr4-105236071-C-T. GRCh37 (hg19) VCF-style: chr4-106157228-C-T.
Other names: c.2129C>T, p.Thr710Ile (NM_017628.4); short protein forms T710I.
Identifiers: ClinVar variation 4865594 (VCV004865594.1).

ClinVar aggregate classification (germline): Uncertain significance (1 of 4 stars; one submission).

Submission:

Ambry Genetics
Classification: Uncertain significance. Last evaluated: 2026-05-31. Review status: criteria provided, single submitter. Criteria: Ambry Variant Classification Scheme 2023. Collection method: clinical testing. Allele origin: germline.
Comment: The p.T710I variant (also known as c.2129C>T), located in coding exon 1 of the TET2 gene, results from a C to T substitution at nucleotide position 2129. The threonine at codon 710 is replaced by isoleucine, an amino acid with similar properties. This amino acid position is conserved. In addition, this alteration is predicted to be tolerated by in silico analysis. Based on the available evidence, the clinical significance of this variant remains unclear.